The following is an entry in ClinVar:

ClinVar aggregate classification (germline): Uncertain significance (1 of 4 stars; one submission).

Submission:

Labcorp Genetics (formerly Invitae), Labcorp
Classification: Uncertain significance. Last evaluated: 2025-09-09. Review status: criteria provided, single submitter. Criteria: Invitae Variant Classification Sherloc (09022015). Collection method: clinical testing. Allele origin: germline.
Comment: This sequence change replaces cysteine, which is neutral and slightly polar, with glycine, which is neutral and non-polar, at codon 1152 of the CFH protein (p.Cys1152Gly). This variant is not present in population databases (gnomAD no frequency). This variant has not been reported in the literature in individuals affected with CFH-related conditions. An algorithm developed to predict the effect of missense changes on protein structure and function outputs the following: PolyPhen-2: "Probably Damaging". The glycine amino acid residue is found in multiple mammalian species, which suggests that this missense change does not adversely affect protein function. In summary, the available evidence is currently insufficient to determine the role of this variant in disease. Therefore, it has been classified as a Variant of Uncertain Significance.

NM_000186.4(CFH):c.3454T>G (p.Cys1152Gly)

Gene: CFH (complement factor H; plus strand). Cytogenetic location: 1q31.3.
Variant type: single nucleotide variant.
Coding change: c.3454T>G on transcript NM_000186.4 (MANE Select); coding-DNA position 3454, T replaced by G.
Protein change: p.Cys1152Gly; replaces cysteine 1152 with glycine.
Molecular consequence: missense variant.
Genome position (GRCh38, 1-based): chr1:196,745,960, T>G. VCF-style: chr1-196745960-T-G. GRCh37 (hg19) VCF-style: chr1-196715090-T-G.
Other names: short protein forms C1152G.
Identifiers: ClinVar variation 4726823 (VCV004726823.1).